The following is an entry in ClinVar:

NM_182919.4(TICAM1):c.1234G>A (p.Val412Ile)

Gene: TICAM1 (TIR domain containing adaptor molecule 1; minus strand). Cytogenetic location: 19p13.3.
Variant type: single nucleotide variant.
Coding change: c.1234G>A on transcript NM_182919.4 (MANE Select); coding-DNA position 1234, G replaced by A.
Protein change: p.Val412Ile; replaces valine 412 with isoleucine.
Molecular consequence: missense variant.
Genome position (GRCh38, 1-based): chr19:4,817,144, C>T on the plus strand (G>A on the coding strand, the complement: TICAM1 is on the minus strand). VCF-style: chr19-4817144-C-T. GRCh37 (hg19) VCF-style: chr19-4817156-C-T.
Other names: c.1192G>A, p.Val398Ile (NM_001385678.1); c.1099G>A, p.Val367Ile (NM_001385679.1); c.592G>A, p.Val198Ile (NM_001385680.1); short protein forms V198I, V412I, V367I, V398I.
Identifiers: ClinVar variation 2790184 (VCV002790184.3), dbSNP rs763998229, ClinGen allele CA9105174.

ClinVar aggregate classification (germline): Uncertain significance (1 of 4 stars; one submission).

Conditions:
Encephalopathy, acute, infection-induced (herpes-specific), susceptibility to, 6. Also called: Herpes simplex encephalitis, susceptibility to, 4. Identifiers: Orphanet 1930, MedGen C3553869, MONDO:0013921, OMIM 614850.

Allele frequency attached by ClinVar (database versions not stated): gnomAD exomes below 0.00001; TOPMed below 0.00001; ExAC 0.00001; gnomAD 0.00001.
gnomAD v4.1: 2 of 1,614,046 alleles (0.00012%); highest among the groups gnomAD compares: East Asian, 0.0022%; no homozygotes.

Submission:

Labcorp Genetics (formerly Invitae), Labcorp
Classification: Uncertain significance for Encephalopathy, acute, infection-induced (herpes-specific), susceptibility to, 6. Last evaluated: 2023-12-30. Review status: criteria provided, single submitter. Criteria: Invitae Variant Classification Sherloc (09022015). Collection method: clinical testing. Allele origin: germline.
Comment: This sequence change replaces valine, which is neutral and non-polar, with isoleucine, which is neutral and non-polar, at codon 412 of the TICAM1 protein (p.Val412Ile). This variant is present in population databases (rs763998229, gnomAD 0.005%). This variant has not been reported in the literature in individuals affected with TICAM1-related conditions. Algorithms developed to predict the effect of missense changes on protein structure and function output the following: SIFT: "Not Available"; PolyPhen-2: "Possibly Damaging"; Align-GVGD: "Not Available". The isoleucine amino acid residue is found in multiple mammalian species, which suggests that this missense change does not adversely affect protein function. In summary, the available evidence is currently insufficient to determine the role of this variant in disease. Therefore, it has been classified as a Variant of Uncertain Significance.